The following is an entry in ClinVar:

NM_020937.4(FANCM):c.1610A>T (p.Tyr537Phe)

Gene: FANCM (FA complementation group M; plus strand). Cytogenetic location: 14q21.2.
Variant type: single nucleotide variant.
Coding change: c.1610A>T on transcript NM_020937.4 (MANE Select); coding-DNA position 1610, A replaced by T.
Protein change: p.Tyr537Phe; replaces tyrosine 537 with phenylalanine.
Molecular consequence: missense variant.
Genome position (GRCh38, 1-based): chr14:45,164,387, A>T. VCF-style: chr14-45164387-A-T. GRCh37 (hg19) VCF-style: chr14-45633590-A-T.
Other names: c.1532A>T, p.Tyr511Phe (NM_001308133.2); c.1610A>T, p.Tyr537Phe (NM_001308134.2); short protein forms Y511F, Y537F.
Identifiers: ClinVar variation 4254719 (VCV004254719.1).

ClinVar aggregate classification (germline): Uncertain significance (1 of 4 stars; one submission).

Conditions:
Inborn genetic diseases. Identifiers: MedGen C0950123, MeSH D030342.

gnomAD v4.1: 2 of 1,613,114 alleles (0.00012%); highest among the groups gnomAD compares: South Asian, 0.0011%; no homozygotes.

Submission:

Ambry Genetics
Classification: Uncertain significance for Inborn genetic diseases. Last evaluated: 2025-08-30. Review status: criteria provided, single submitter. Criteria: Ambry Variant Classification Scheme 2023. Collection method: clinical testing. Allele origin: germline.
Comment: The p.Y537F variant (also known as c.1610A>T), located in coding exon 10 of the FANCM gene, results from an A to T substitution at nucleotide position 1610. The tyrosine at codon 537 is replaced by phenylalanine, an amino acid with highly similar properties. This amino acid position is conserved. In addition, this alteration is predicted to be tolerated by in silico analysis. Based on the available evidence, the clinical significance of this variant remains unclear.